The following is an entry in ClinVar:

ClinVar aggregate classification (germline): Uncertain significance. Review status: criteria provided, multiple submitters, no conflicts (2 of 4 stars). 4 submissions from 4 submitters: Uncertain significance (4). Last evaluated 2024-10-18.

Conditions:
Inborn genetic diseases. Identifiers: MedGen C0950123, MeSH D030342.

Allele frequency attached by ClinVar (database versions not stated): ExAC 0.00004; gnomAD exomes 0.00005; TOPMed 0.00005; 1000 Genomes Project 30x 0.00016; 1000 Genomes Project 0.00020.
gnomAD v4.1: 102 of 1,613,434 alleles (0.0063%); highest among the groups gnomAD compares: South Asian, 0.022%; no homozygotes.

Submissions (4):

Blueprint Genetics
Classification: Uncertain significance. Last evaluated: 2024-10-18. Review status: criteria provided, single submitter. Criteria: ACMG Guidelines, 2015. Collection method: clinical testing. Allele origin: germline.

Ambry Genetics
Classification: Uncertain significance for Inborn genetic diseases. Last evaluated: 2023-10-05. Review status: criteria provided, single submitter. Criteria: Ambry Variant Classification Scheme 2023. Collection method: clinical testing. Allele origin: germline.

Labcorp Genetics (formerly Invitae), Labcorp
Classification: Uncertain significance. Last evaluated: 2022-08-09. Review status: criteria provided, single submitter. Criteria: Invitae Variant Classification Sherloc (09022015). Collection method: clinical testing. Allele origin: germline.
Comment: In summary, the available evidence is currently insufficient to determine the role of this variant in disease. Therefore, it has been classified as a Variant of Uncertain Significance. Advanced modeling of protein sequence and biophysical properties (such as structural, functional, and spatial information, amino acid conservation, physicochemical variation, residue mobility, and thermodynamic stability) performed at Invitae indicates that this missense variant is not expected to disrupt CNGA3 protein function. ClinVar contains an entry for this variant (Variation ID: 425210). This variant has not been reported in the literature in individuals affected with CNGA3-related conditions. This variant is present in population databases (rs367575427, gnomAD 0.02%). This sequence change replaces serine, which is neutral and polar, with leucine, which is neutral and non-polar, at codon 43 of the CNGA3 protein (p.Ser43Leu).

CeGaT Center for Human Genetics Tuebingen
Classification: Uncertain significance. Last evaluated: 2019-02-01. Review status: criteria provided, single submitter. Criteria: CeGaT Center For Human Genetics Tuebingen Variant Classification Criteria Version 2. Collection method: clinical testing. Allele origin: germline. Affected: yes. Observed: 2 variant alleles.

NM_001298.3(CNGA3):c.128C>T (p.Ser43Leu)

Gene: CNGA3 (cyclic nucleotide gated channel subunit alpha 3; plus strand). Cytogenetic location: 2q11.2.
Variant type: single nucleotide variant.
Coding change: c.128C>T on transcript NM_001298.3 (MANE Select); coding-DNA position 128, C replaced by T.
Protein change: p.Ser43Leu; replaces serine 43 with leucine.
Molecular consequence: missense variant.
Genome position (GRCh38, 1-based): chr2:98,377,713, C>T. VCF-style: chr2-98377713-C-T. GRCh37 (hg19) VCF-style: chr2-98994176-C-T.
Other names: c.128C>T, p.Ser43Leu (NM_001079878.2); c.128C>T (NM_001298.2); short protein forms S43L.
Identifiers: ClinVar variation 425210 (VCV000425210.50), dbSNP rs367575427, ClinGen allele CA1793584.
Genomic context (GRCh38, chr2:98,377,713, plus strand): 5'-ATCAATTCTGCTTGCTGCATATCTGATTTCCTAGAGCCCACTCGTCAAGTGAGGAGACAT[C>T]GTCAGTGCTGCAGCCGGGGATCGCCATGGAGACCAGAGGACTGGCTGACTCCGGGCAGGG-3'
Protein context (NP_001289.1, residues 33-53): SRAHSSSEET[Ser43Leu]SVLQPGIAME